The following is an entry in ClinVar:

NM_003803.4(MYOM1):c.1390C>T (p.Arg464Trp)

Gene: MYOM1 (myomesin 1; minus strand). Cytogenetic location: 18p11.31.
Variant type: single nucleotide variant.
Coding change: c.1390C>T on transcript NM_003803.4 (MANE Select); coding-DNA position 1390, C replaced by T.
Protein change: p.Arg464Trp; replaces arginine 464 with tryptophan.
Molecular consequence: missense variant.
Genome position (GRCh38, 1-based): chr18:3,164,389, G>A on the plus strand (C>T on the coding strand, the complement: MYOM1 is on the minus strand). VCF-style: chr18-3164389-G-A. GRCh37 (hg19) VCF-style: chr18-3164387-G-A.
Other names: c.1390C>T, p.Arg464Trp (NM_019856.2); short protein forms R464W.
Identifiers: ClinVar variation 2064211 (VCV002064211.4), dbSNP rs566450672, ClinGen allele CA8874961.

ClinVar aggregate classification (germline): Uncertain significance (1 of 4 stars; one submission).

Conditions:
Hypertrophic cardiomyopathy. Also called: HYPERTROPHIC MYOCARDIOPATHY. Identifiers: Orphanet 217569, MedGen C0007194, MeSH D002312, MONDO:0005045, HP:0001639.

Allele frequency attached by ClinVar (database versions not stated): 1000 Genomes Project 30x 0.00016; TOPMed 0.00001; ExAC 0.00011; 1000 Genomes Project 0.00020; gnomAD 0.00001.
gnomAD v4.1: 32 of 1,610,480 alleles (0.002%); highest among the groups gnomAD compares: South Asian, 0.0066%; 1 homozygote.

Submission:

Labcorp Genetics (formerly Invitae), Labcorp
Classification: Uncertain significance for Hypertrophic cardiomyopathy. Last evaluated: 2023-12-30. Review status: criteria provided, single submitter. Criteria: Invitae Variant Classification Sherloc (09022015). Collection method: clinical testing. Allele origin: germline.
Comment: This sequence change replaces arginine, which is basic and polar, with tryptophan, which is neutral and slightly polar, at codon 464 of the MYOM1 protein (p.Arg464Trp). The frequency data for this variant in the population databases is considered unreliable, as metrics indicate poor data quality at this position in the gnomAD database. This missense change has been observed in individual(s) with congenital heart disease (PMID: 28991257, 32368696). ClinVar contains an entry for this variant (Variation ID: 2064211). Advanced modeling of protein sequence and biophysical properties (such as structural, functional, and spatial information, amino acid conservation, physicochemical variation, residue mobility, and thermodynamic stability) performed at Invitae indicates that this missense variant is not expected to disrupt MYOM1 protein function with a negative predictive value of 80%. In summary, the available evidence is currently insufficient to determine the role of this variant in disease. Therefore, it has been classified as a Variant of Uncertain Significance.

Literature cited by the submitters: PubMed 28991257; PubMed 32368696.